The following is an entry in ClinVar:

NM_015272.5(RPGRIP1L):c.106A>G (p.Met36Val)

Gene: RPGRIP1L (RPGRIP1 like; minus strand). Cytogenetic location: 16q12.2.
Variant type: single nucleotide variant.
Coding change: c.106A>G on transcript NM_015272.5 (MANE Select); coding-DNA position 106, A replaced by G.
Protein change: p.Met36Val; replaces methionine 36 with valine.
Molecular consequence: missense variant.
Genome position (GRCh38, 1-based): chr16:53,696,275, T>C on the plus strand (A>G on the coding strand, the complement: RPGRIP1L is on the minus strand). VCF-style: chr16-53696275-T-C. GRCh37 (hg19) VCF-style: chr16-53730187-T-C.
Other names: c.106A>G, p.Met36Val (NM_001127897.4, NM_001308334.3, NM_001328422.2 and 2 more transcripts); short protein forms M36V.
Identifiers: ClinVar variation 1421241 (VCV001421241.7), dbSNP rs867836079, ClinGen allele CA281377814.

ClinVar aggregate classification (germline): Uncertain significance (1 of 4 stars; one submission).

Conditions:
Joubert syndrome. Also called: CEREBELLOPARENCHYMAL DISORDER IV; JOUBERT-BOLTSHAUSER SYNDROME; Familial aplasia of the vermis. Identifiers: Orphanet 475, MedGen C5979921, MONDO:0018772.
Meckel-Gruber syndrome. Also called: DYSENCEPHALIA SPLANCHNOCYSTICA; GRUBER SYNDROME; Dysencephalia splachnocystica. Identifiers: Orphanet 564, MedGen C0265215, MONDO:0018921.

Allele frequency attached by ClinVar (database versions not stated): gnomAD exomes below 0.00001; TOPMed below 0.00001; gnomAD 0.00001.
gnomAD v4.1: 6 of 1,613,938 alleles (0.00037%); highest among the groups gnomAD compares: African/African-American, 0.0013%; no homozygotes.

Submission:

Labcorp Genetics (formerly Invitae), Labcorp
Classification: Uncertain significance for Joubert syndrome; Meckel-Gruber syndrome. Last evaluated: 2025-02-03. Review status: criteria provided, single submitter. Criteria: Invitae Variant Classification Sherloc (09022015). Collection method: clinical testing. Allele origin: germline.
Comment: This sequence change replaces methionine, which is neutral and non-polar, with valine, which is neutral and non-polar, at codon 36 of the RPGRIP1L protein (p.Met36Val). This variant is present in population databases (no rsID available, gnomAD 0.004%). This variant has not been reported in the literature in individuals affected with RPGRIP1L-related conditions. ClinVar contains an entry for this variant (Variation ID: 1421241). Invitae Evidence Modeling of protein sequence and biophysical properties (such as structural, functional, and spatial information, amino acid conservation, physicochemical variation, residue mobility, and thermodynamic stability) indicates that this missense variant is not expected to disrupt RPGRIP1L protein function with a negative predictive value of 80%. In summary, the available evidence is currently insufficient to determine the role of this variant in disease. Therefore, it has been classified as a Variant of Uncertain Significance.